The following is an entry in ClinVar:

NM_000061.3(BTK):c.1249A>T (p.Lys417Ter)

Gene: BTK (Bruton tyrosine kinase; minus strand). Cytogenetic location: Xq22.1.
Variant type: single nucleotide variant.
Coding change: c.1249A>T on transcript NM_000061.3 (MANE Select); coding-DNA position 1249, A replaced by T.
Protein change: p.Lys417Ter; replaces lysine 417 with a stop codon.
Molecular consequence: nonsense. On other transcripts: intron variant (1).
Genome position (GRCh38, 1-based): chrX:101,356,884, T>A on the plus strand (A>T on the coding strand, the complement: BTK is on the minus strand). VCF-style: chrX-101356884-T-A. GRCh37 (hg19) VCF-style: chrX-100611872-T-A.
Other names: c.1351A>T, p.Lys451Ter (NM_001287344.2); c.1038+1490A>T (NM_001287345.2); short protein forms K417*, K451*.
Identifiers: ClinVar variation 849767 (VCV000849767.10), dbSNP rs1926503277, ClinGen allele CA413925273.
Genomic context (GRCh38, chrX:101,356,884, plus strand): 5'-TGGAGCCTTCTTTGATCATCTTGATGGCCACGTCGTACTGGCCTCTCCATTTCCCATACT[T>A]CACTACCCCAAATTGTCCAGTCCCCAGCTCCTTCAAGAAGGTCAGGTCCTTTGGATCAAT-3'

ClinVar aggregate classification (germline): Pathogenic (1 of 4 stars; one submission).

Conditions:
X-linked agammaglobulinemia with growth hormone deficiency (IGHD3). Also called: AGAMMAGLOBULINEMIA AND ISOLATED GROWTH HORMONE DEFICIENCY, X-LINKED; Isolated growth hormone deficiency type 3; Growth hormone deficiency with hypogammaglobulinemia; FLEISHER SYNDROME; HYPOGAMMAGLOBULINEMIA AND ISOLATED GROWTH HORMONE DEFICIENCY, X-LINKED; IGHD III. Identifiers: Orphanet 231692, Orphanet 631, MedGen C0472813, MONDO:0010615, OMIM 307200.

Submission:

Labcorp Genetics (formerly Invitae), Labcorp
Classification: Pathogenic for X-linked agammaglobulinemia with growth hormone deficiency. Last evaluated: 2019-12-15. Review status: criteria provided, single submitter. Criteria: Invitae Variant Classification Sherloc (09022015). Collection method: clinical testing. Allele origin: germline.
Comment: This sequence change creates a premature translational stop signal (p.Lys417*) in the BTK gene. It is expected to result in an absent or disrupted protein product. This variant is not present in population databases (ExAC no frequency). For these reasons, this variant has been classified as Pathogenic. Loss-of-function variants in BTK are known to be pathogenic (PMID: 15661032, 16862044, 19419768). This variant has been observed in individual(s) with agammaglobulinemia (PMID: 24885015).

Literature cited by the submitters: PubMed 15661032; PubMed 16862044; PubMed 19419768; PubMed 24885015.